The following is an entry in ClinVar:

ClinVar aggregate classification (germline): Benign/Likely benign. Review status: criteria provided, multiple submitters, no conflicts (2 of 4 stars). 2 submissions from 2 submitters: Benign (1); Likely benign (1). Last evaluated 2017-12-28.

Allele frequency attached by ClinVar (database versions not stated): 1000 Genomes Project 0.00220; ESP Exome Variant Server 0.00353; gnomAD 0.00591 and 0.00543; 1000 Genomes Project 30x 0.00234; TOPMed 0.00430; ExAC 0.01007; gnomAD exomes 0.00563.

Submissions (2):

GeneDx
Classification: Benign. Last evaluated: 2017-12-28. Review status: criteria provided, single submitter. Criteria: GeneDx Variant Classification (06012015). Collection method: clinical testing. Allele origin: germline. Affected: yes.
Comment: This variant is considered likely benign or benign based on one or more of the following criteria: it is a conservative change, it occurs at a poorly conserved position in the protein, it is predicted to be benign by multiple in silico algorithms, and/or has population frequency not consistent with disease.

Breakthrough Genomics
Classification: Likely benign. Review status: criteria provided, single submitter. Criteria: ACMG Guidelines, 2015. Collection method: not provided. Allele origin: germline. Inheritance: Autosomal recessive inheritance. Affected: yes.

NM_000532.4(PCCB):c.-37C>T

Gene: PCCB (propionyl-CoA carboxylase subunit beta; plus strand). Cytogenetic location: 3q22.3.
Variant type: single nucleotide variant.
Coding change: c.-37C>T on transcript NM_000532.4; 37 bases upstream of the start codon, C replaced by T.
Genome position (GRCh38, 1-based): chr3:136,250,339, C>T. VCF-style: chr3-136250339-C-T. GRCh37 (hg19) VCF-style: chr3-135969181-C-T.
Identifiers: ClinVar variation 343453 (VCV000343453.8), dbSNP rs145734157, ClinGen allele CA2631529.
Genomic context (GRCh38, chr3:136,250,339, plus strand): 5'-CTCCCTACAGCCAGCCGATGCTGCGCAAGCGCCGTACCCACGCTTTAGCACATGCGTACT[C>T]AGGTGCGCCGGTAGGGGACGCGCCGGCACAGCAAAAATGGCGGCGGCATTACGGGTGGCG-3'